The following is an entry in ClinVar:

NM_000069.3(CACNA1S):c.1557G>A (p.Met519Ile)

Gene: CACNA1S (calcium voltage-gated channel subunit alpha1 S; minus strand). Cytogenetic location: 1q32.1.
Variant type: single nucleotide variant.
Coding change: c.1557G>A on transcript NM_000069.3 (MANE Select); coding-DNA position 1557, G replaced by A.
Protein change: p.Met519Ile; replaces methionine 519 with isoleucine.
Molecular consequence: missense variant.
Genome position (GRCh38, 1-based): chr1:201,077,941, C>T on the plus strand (G>A on the coding strand, the complement: CACNA1S is on the minus strand). VCF-style: chr1-201077941-C-T. GRCh37 (hg19) VCF-style: chr1-201047069-C-T.
Other names: short protein forms M519I.
Identifiers: ClinVar variation 541042 (VCV000541042.15), dbSNP rs200066766, ClinGen allele CA078399.

ClinVar aggregate classification (germline): Conflicting classifications of pathogenicity. Review status: criteria provided, conflicting classifications (1 of 4 stars). 6 submissions from 6 submitters: Uncertain significance (5); Benign (1). Last evaluated 2026-07-02.

Conditions:
Malignant hyperthermia, susceptibility to, 5 (MHS5). Also called: CACNA1S-Related Malignant Hyperthermia Susceptibility. Identifiers: Orphanet 423, MedGen C1866077, MONDO:0011163, OMIM 601887.
Congenital myopathy 18. Also called: DIHYDROPYRIDINE RECEPTOR CONGENITAL MYOPATHY; DHPR CONGENITAL MYOPATHY; Myopathy, congenital, due to dihydropyridine receptor defect. Identifiers: MedGen C5830283, MONDO:0859514, OMIM 620246.
Thyrotoxic periodic paralysis, susceptibility to, 1 (TTPP1). Identifiers: Orphanet 79102, MedGen C2749982, MONDO:0008570, OMIM 188580.
Hypokalemic periodic paralysis, type 1. Also called: Hypokalemic Periodic Paralysis Type 1 (AD); HypoPP. Identifiers: Orphanet 681, MedGen C3714580, MONDO:0042979, OMIM 170400.
Inborn genetic diseases. Identifiers: MedGen C0950123, MeSH D030342.

Allele frequency attached by ClinVar (database versions not stated): gnomAD 0.00001 and 0.00002; gnomAD exomes 0.00001 and 0.00004; ExAC 0.00002; TOPMed 0.00002; 1000 Genomes Project 30x 0.00016; 1000 Genomes Project 0.00020.
gnomAD v4.1: 12 of 1,614,176 alleles (0.00074%); highest among the groups gnomAD compares: Admixed American, 0.018%; no homozygotes.

Submissions (6):

Ambry Genetics
Classification: Uncertain significance for Inborn genetic diseases. Last evaluated: 2026-07-02. Review status: criteria provided, single submitter. Criteria: Ambry Variant Classification Scheme 2023. Collection method: clinical testing. Allele origin: germline.
Comment: The p.M519I variant (also known as c.1557G>A), located in coding exon 11 of the CACNA1S gene, results from a G to A substitution at nucleotide position 1557. The methionine at codon 519 is replaced by isoleucine, an amino acid with highly similar properties. This amino acid position is conserved. In addition, the in silico prediction for this alteration is inconclusive. Based on the available evidence, the clinical significance of this variant remains unclear.

Labcorp Genetics (formerly Invitae), Labcorp
Classification: Benign for Hypokalemic periodic paralysis, type 1; Malignant hyperthermia, susceptibility to, 5. Last evaluated: 2025-08-11. Review status: criteria provided, single submitter. Criteria: Invitae Variant Classification Sherloc (09022015). Collection method: clinical testing. Allele origin: germline.

GeneDx
Classification: Uncertain significance. Last evaluated: 2025-01-30. Review status: criteria provided, single submitter. Criteria: GeneDx Variant Classification Process June 2021. Collection method: clinical testing. Allele origin: germline. Affected: yes.
Comment: In silico analysis supports that this missense variant has a deleterious effect on protein structure/function; Has not been previously published as pathogenic or benign to our knowledge

All of Us Research Program, National Institutes of Health
Classification: Uncertain significance for Malignant hyperthermia, susceptibility to, 5. Last evaluated: 2024-06-11. Review status: criteria provided, single submitter. Criteria: ACMG Guidelines, 2015. Collection method: clinical testing. Allele origin: germline. Inheritance: Autosomal dominant inheritance. Observed: 5 variant alleles, 5 heterozygotes.
Comment: This missense variant replaces methionine with isoleucine at codon 519 of the CACNA1S protein. Computational prediction suggests that this variant may not impact protein structure and function (internally defined REVEL score threshold <= 0.5, PMID: 27666373). To our knowledge, functional studies have not been reported for this variant. This variant has not been reported in individuals affected with CACNA1S-related disorders in the literature. This variant has been identified in 11/282796 chromosomes in the general population by the Genome Aggregation Database (gnomAD). The available evidence is insufficient to determine the role of this variant in disease conclusively. Therefore, this variant is classified as a Variant of Uncertain Significance.

This study involves interpretation of variants in research participants for the purpose of population health screening. Participant phenotype was not available at the time of variant classification. Additional details can be found in publication PMID: 35346344, PMCID: PMC8962531

Fulgent Genetics
Classification: Uncertain significance for Hypokalemic periodic paralysis, type 1; Thyrotoxic periodic paralysis, susceptibility to, 1; Malignant hyperthermia, susceptibility to, 5; Congenital myopathy 18. Last evaluated: 2024-05-11. Review status: criteria provided, single submitter. Criteria: ACMG Guidelines, 2015. Collection method: clinical testing. Allele origin: germline.

Color Diagnostics, LLC DBA Color Health
Classification: Uncertain significance for Malignant hyperthermia, susceptibility to, 5. Last evaluated: 2024-01-31. Review status: criteria provided, single submitter. Criteria: ACMG Guidelines, 2015. Collection method: clinical testing. Allele origin: germline.
Comment: This missense variant replaces methionine with isoleucine at codon 519 of the CACNA1S protein. Computational prediction suggests that this variant may not impact protein structure and function. To our knowledge, functional studies have not been reported for this variant. This variant has not been reported in individuals affected with CACNA1S-related disorders in the literature. This variant has been identified in 11/282796 chromosomes in the general population by the Genome Aggregation Database (gnomAD). The available evidence is insufficient to determine the role of this variant in disease conclusively. Therefore, this variant is classified as a Variant of Uncertain Significance.